The following is an entry in ClinVar:

NM_000787.4(DBH):c.1379A>G (p.Asp460Gly)

Gene: DBH (dopamine beta-hydroxylase; plus strand). Cytogenetic location: 9q34.2.
Variant type: single nucleotide variant.
Coding change: c.1379A>G on transcript NM_000787.4 (MANE Select); coding-DNA position 1379, A replaced by G.
Protein change: p.Asp460Gly; replaces aspartic acid 460 with glycine.
Molecular consequence: missense variant.
Genome position (GRCh38, 1-based): chr9:133,652,944, A>G. VCF-style: chr9-133652944-A-G. GRCh37 (hg19) VCF-style: chr9-136518066-A-G.
Other names: short protein forms D460G.
Identifiers: ClinVar variation 2106918 (VCV002106918.2), dbSNP rs1260480723, ClinGen allele CA375419551.

ClinVar aggregate classification (germline): Uncertain significance (1 of 4 stars; one submission).

Conditions:
Orthostatic hypotension 1 (ORTHYP1). Also called: Orthostatic hypotension 1, due to DBH deficiency; Dopamine beta-hydroxylase deficiency; NORADRENALINE DEFICIENCY; NOREPINEPHRINE DEFICIENCY. Identifiers: Orphanet 230, MedGen C4746777, MONDO:0009123, OMIM 223360.

Submission:

Labcorp Genetics (formerly Invitae), Labcorp
Classification: Uncertain significance for Orthostatic hypotension 1. Last evaluated: 2022-03-04. Review status: criteria provided, single submitter. Criteria: Invitae Variant Classification Sherloc (09022015). Collection method: clinical testing. Allele origin: germline.
Comment: In summary, the available evidence is currently insufficient to determine the role of this variant in disease. Therefore, it has been classified as a Variant of Uncertain Significance. Algorithms developed to predict the effect of missense changes on protein structure and function (SIFT, PolyPhen-2, Align-GVGD) all suggest that this variant is likely to be disruptive. This variant has not been reported in the literature in individuals affected with DBH-related conditions. This variant is not present in population databases (gnomAD no frequency). This sequence change replaces aspartic acid, which is acidic and polar, with glycine, which is neutral and non-polar, at codon 460 of the DBH protein (p.Asp460Gly).